The following is an entry in ClinVar:

ClinVar aggregate classification (germline): Uncertain significance (1 of 4 stars; one submission).

Conditions:
Tuberous sclerosis 2 (TSC2). Identifiers: Orphanet 805, MedGen C1860707, MONDO:0013199, OMIM 613254.

Submission:

Labcorp Genetics (formerly Invitae), Labcorp
Classification: Uncertain significance for Tuberous sclerosis 2. Last evaluated: 2025-01-22. Review status: criteria provided, single submitter. Criteria: Invitae Variant Classification Sherloc (09022015). Collection method: clinical testing. Allele origin: germline.
Comment: This sequence change replaces histidine, which is basic and polar, with glutamine, which is neutral and polar, at codon 1670 of the TSC2 protein (p.His1670Gln). This variant is not present in population databases (gnomAD no frequency). This variant has not been reported in the literature in individuals affected with TSC2-related conditions. ClinVar contains an entry for this variant (Variation ID: 643237). Invitae Evidence Modeling of protein sequence and biophysical properties (such as structural, functional, and spatial information, amino acid conservation, physicochemical variation, residue mobility, and thermodynamic stability) indicates that this missense variant is not expected to disrupt TSC2 protein function with a negative predictive value of 95%. In summary, the available evidence is currently insufficient to determine the role of this variant in disease. Therefore, it has been classified as a Variant of Uncertain Significance.

NM_000548.5(TSC2):c.5010C>A (p.His1670Gln)

Gene: TSC2 (TSC complex subunit 2; plus strand). Cytogenetic location: 16p13.3.
Variant type: single nucleotide variant.
Coding change: c.5010C>A on transcript NM_000548.5 (MANE Select); coding-DNA position 5010, C replaced by A.
Protein change: p.His1670Gln; replaces histidine 1670 with glutamine.
Molecular consequence: missense variant.
Genome position (GRCh38, 1-based): chr16:2,087,883, C>A. VCF-style: chr16-2087883-C-A. GRCh37 (hg19) VCF-style: chr16-2137884-C-A.
Other names: c.4809C>A, p.His1603Gln (NM_001077183.3); c.4941C>A, p.His1647Gln (NM_001114382.3); c.4701C>A, p.His1567Gln (NM_001318827.2); c.4665C>A, p.His1555Gln (NM_001318829.2); c.4278C>A, p.His1426Gln (NM_001318831.2); c.4842C>A, p.His1614Gln (NM_001318832.2); c.4812C>A, p.His1604Gln (NM_001363528.2); c.4878C>A, p.His1626Gln (NM_001370404.1); and 1 more; short protein forms H1567Q, H1627Q, H1647Q, H1670Q, H1426Q, H1626Q, H1555Q, H1603Q.
Identifiers: ClinVar variation 643237 (VCV000643237.8), dbSNP rs376306544, ClinGen allele CA394311148.